The following is an entry in ClinVar:

NM_022051.3(EGLN1):c.1012-2A>C

Gene: EGLN1 (egl-9 family hypoxia inducible factor 1; minus strand). Cytogenetic location: 1q42.2.
Variant type: single nucleotide variant.
Coding change: c.1012-2A>C on transcript NM_022051.3 (MANE Select); the canonical splice acceptor site of the intron before coding-DNA position 1012, A replaced by C.
Molecular consequence: splice acceptor variant. On other transcripts: intron variant (1).
Genome position (GRCh38, 1-based): chr1:231,370,700, T>G on the plus strand (A>C on the coding strand, the complement: EGLN1 is on the minus strand). VCF-style: chr1-231370700-T-G. GRCh37 (hg19) VCF-style: chr1-231506446-T-G.
Other names: p.?; c.1012-3064A>C (NM_001377261.1); c.1012-2A>C (NM_001377260.1).
Identifiers: ClinVar variation 4542336 (VCV004542336.1).

ClinVar aggregate classification (germline): Likely pathogenic (1 of 4 stars; one submission).

Submission:

Mayo Clinic Laboratories, Mayo Clinic
Classification: Likely pathogenic. Last evaluated: 2024-12-31. Review status: criteria provided, single submitter. Criteria: ACMG Guidelines, 2015. Collection method: clinical testing. Allele origin: germline. Observed: 1 variant allele.
Comment: PM2_supporting, PVS1